The following is an entry in ClinVar:

ClinVar aggregate classification (germline): Pathogenic. Review status: criteria provided, multiple submitters, no conflicts (2 of 4 stars). 2 submissions from 2 submitters: Pathogenic (2). Last evaluated 2016-01-26.

Submissions (2):

GeneDx
Classification: Pathogenic. Last evaluated: 2016-01-26. Review status: criteria provided, single submitter. Criteria: GeneDx Variant Classification (06012015). Collection method: clinical testing. Allele origin: germline. Affected: yes.
Comment: The Q489X nonsense variant in the CHD7 gene has been reported previously in association with CHARGE syndrome (Jongmans et al, 2006). Approximately 45% of CHD7 pathogenic variants are nonsense changes predicted to cause loss of normal protein function either through protein truncation or nonsense-mediated mRNA decay (Janssen et al., 2012; Zentner et al, 2010).

Eurofins Ntd Llc (ga)
Classification: Pathogenic. Last evaluated: 2015-01-24. Review status: criteria provided, single submitter. Criteria: EGL Classification Definitions 2015. Collection method: clinical testing. Allele origin: germline. Observed: 1 variant allele, 1 heterozygote.

Literature cited by the submitters: PubMed 16155193 (cited by Eurofins Ntd Llc (ga)).

NM_017780.4(CHD7):c.1465C>T (p.Gln489Ter)

Gene: CHD7 (chromodomain helicase DNA binding protein 7; plus strand). Cytogenetic location: 8q12.2.
Variant type: single nucleotide variant.
Coding change: c.1465C>T on transcript NM_017780.4 (MANE Select); coding-DNA position 1465, C replaced by T.
Protein change: p.Gln489Ter; replaces glutamine 489 with a stop codon.
Molecular consequence: nonsense.
Genome position (GRCh38, 1-based): chr8:60,742,897, C>T. VCF-style: chr8-60742897-C-T. GRCh37 (hg19) VCF-style: chr8-61655456-C-T.
Other names: c.1465C>T (LRG_176t1); c.1465C>T, p.Gln489Ter (NM_001316690.1); short protein forms Q489*.
Identifiers: ClinVar variation 195334 (VCV000195334.6), dbSNP rs794727298, ClinGen allele CA275085.